The following is an entry in ClinVar:

ClinVar aggregate classification (germline): Uncertain significance. Review status: criteria provided, multiple submitters, no conflicts (2 of 4 stars). 2 submissions from 2 submitters: Uncertain significance (2). Last evaluated 2022-12-28.

Conditions:
Inborn genetic diseases. Identifiers: MedGen C0950123, MeSH D030342.

Allele frequency attached by ClinVar (database versions not stated): ExAC 0.00002; gnomAD 0.00006.
gnomAD v4.1: 18 of 1,595,486 alleles (0.0011%); highest among the groups gnomAD compares: African/African-American, 0.013%; no homozygotes.

Submissions (2):

Athena Diagnostics
Classification: Uncertain significance. Last evaluated: 2022-12-28. Review status: criteria provided, single submitter. Criteria: Athena Diagnostics Criteria. Collection method: clinical testing. Allele origin: unknown.
Comment: Available data are insufficient to determine the clinical significance of the variant at this time. The frequency of this variant in the general population is higher than would generally be expected for pathogenic variants in this gene. Computational tools predict that this variant is not damaging.

Ambry Genetics
Classification: Uncertain significance for Inborn genetic diseases. Last evaluated: 2021-08-27. Review status: criteria provided, single submitter. Criteria: Ambry Variant Classification Scheme 2023. Collection method: clinical testing. Allele origin: germline.

NM_001378452.1(ITPR1):c.5113A>G (p.Ile1705Val)

Gene: ITPR1 (inositol 1,4,5-trisphosphate receptor type 1; plus strand). Cytogenetic location: 3p26.1.
Variant type: single nucleotide variant.
Coding change: c.5113A>G on transcript NM_001378452.1 (MANE Select); coding-DNA position 5113, A replaced by G.
Protein change: p.Ile1705Val; replaces isoleucine 1705 with valine.
Molecular consequence: missense variant. On other transcripts: intron variant (2).
Genome position (GRCh38, 1-based): chr3:4,717,376, A>G. VCF-style: chr3-4717376-A-G. GRCh37 (hg19) VCF-style: chr3-4759060-A-G.
Other names: c.5068A>G, p.Ile1690Val (NM_001168272.2); c.5076+5508A>G (NM_001099952.4); c.5031+5508A>G (NM_002222.7); short protein forms I1690V, I1705V.
Identifiers: ClinVar variation 2244317 (VCV002244317.3), dbSNP rs760338353, ClinGen allele CA2232179.